The following is an entry in ClinVar:

ClinVar aggregate classification (germline): Uncertain significance (1 of 4 stars; one submission).

Allele frequency attached by ClinVar (database versions not stated): gnomAD exomes 0.00001; ExAC 0.00002; gnomAD 0.00003; TOPMed 0.00003; 1000 Genomes Project 0.00020; 1000 Genomes Project 30x 0.00031.

Submission:

Labcorp Genetics (formerly Invitae), Labcorp
Classification: Uncertain significance. Last evaluated: 2023-08-28. Review status: criteria provided, single submitter. Criteria: Invitae Variant Classification Sherloc (09022015). Collection method: clinical testing. Allele origin: germline.
Comment: In summary, the available evidence is currently insufficient to determine the role of this variant in disease. Therefore, it has been classified as a Variant of Uncertain Significance. An algorithm developed to predict the effect of missense changes on protein structure and function (PolyPhen-2) suggests that this variant¬†is likely to be tolerated. ClinVar contains an entry for this variant (Variation ID: 1917973). This variant has not been reported in the literature in individuals affected with COA7-related conditions. This variant is present in population databases (rs537739349, gnomAD 0.01%). This sequence change replaces valine, which is neutral and non-polar, with isoleucine, which is neutral and non-polar, at codon 114 of the COA7 protein (p.Val114Ile).

NM_023077.3(COA7):c.340G>A (p.Val114Ile)

Genes: COA7 (cytochrome c oxidase assembly factor 7; minus strand), LOC129388524 (MPRA-validated peak230 silencer; plus strand). Cytogenetic location: 1p32.3.
Variant type: single nucleotide variant.
Coding change: c.340G>A on transcript NM_023077.3 (MANE Select); coding-DNA position 340, G replaced by A.
Protein change: p.Val114Ile; replaces valine 114 with isoleucine.
Molecular consequence: missense variant.
Genome position (GRCh38, 1-based): chr1:52,688,076, C>T on the plus strand (G>A on the coding strand, the complement: COA7 is on the minus strand). VCF-style: chr1-52688076-C-T. GRCh37 (hg19) VCF-style: chr1-53153748-C-T.
Other names: short protein forms V114I.
Identifiers: ClinVar variation 1917973 (VCV001917973.3), dbSNP rs537739349, ClinGen allele CA855657.
Genomic context (GRCh38, chr1:52,688,076, plus strand): 5'-CCTTTCCCAAGTCAGGCTGGCCATCCTCATTAACCTGTCCATCATGTGCCAGGAGGCCAA[C>T]GTTGTGACATGCTGCTATTGACTTCTTTCCAGGCTTCTCACACGCCATCAAAAAGCACCT-3'
Protein context (NP_075565.2, residues 104-124): GKKSIAACHN[Val114Ile]GLLAHDGQVN